The following is an entry in ClinVar:

NM_005263.5(GFI1):c.167C>G (p.Ser56Cys)

Gene: GFI1 (growth factor independent 1 transcriptional repressor; minus strand). Cytogenetic location: 1p22.1.
Variant type: single nucleotide variant.
Coding change: c.167C>G on transcript NM_005263.5 (MANE Select); coding-DNA position 167, C replaced by G.
Protein change: p.Ser56Cys; replaces serine 56 with cysteine.
Molecular consequence: missense variant.
Genome position (GRCh38, 1-based): chr1:92,482,995, G>C on the plus strand (C>G on the coding strand, the complement: GFI1 is on the minus strand). VCF-style: chr1-92482995-G-C. GRCh37 (hg19) VCF-style: chr1-92948552-G-C.
Other names: c.167C>G, p.Ser56Cys (NM_001127215.3, NM_001127216.3); short protein forms S56C.
Identifiers: ClinVar variation 2966194 (VCV002966194.4), dbSNP rs1416697884, ClinGen allele CA341150550.
Genomic context (GRCh38, chr1:92,482,995, plus strand): 5'-TCGCAGCTGTCTGGGGATGCGGAGGCTCTGTCTGGGGCTTCGGTCAGCTGCGATTCGGGG[G>C]ACAAACGGTCCCGGGGCTCCGCCTTCGCCCCGCCTGCATTTGAAGTGCTGTCTGCAAAGA-3'
Protein context (NP_005254.2, residues 46-66): GAKAEPRDRL[Ser56Cys]PESQLTEAPD

ClinVar aggregate classification (germline): Uncertain significance. Review status: criteria provided, multiple submitters, no conflicts (2 of 4 stars). 2 submissions from 2 submitters: Uncertain significance (2). Last evaluated 2025-10-22.

Conditions:
Neutropenia, severe congenital, 2, autosomal dominant. Identifiers: Orphanet 486, MedGen C2751288, MONDO:0013139, OMIM 613107.

gnomAD v4.1: 10 of 1,610,116 alleles (0.00062%); highest among the groups gnomAD compares: Non-Finnish European, 0.00085%; no homozygotes.

Submissions (2):

Labcorp Genetics (formerly Invitae), Labcorp
Classification: Uncertain significance for Neutropenia, severe congenital, 2, autosomal dominant. Last evaluated: 2025-10-22. Review status: criteria provided, single submitter. Criteria: Invitae Variant Classification Sherloc (09022015). Collection method: clinical testing. Allele origin: germline.
Comment: This sequence change replaces serine, which is neutral and polar, with cysteine, which is neutral and slightly polar, at codon 56 of the GFI1 protein (p.Ser56Cys). This variant is not present in population databases (gnomAD no frequency). This variant has not been reported in the literature in individuals affected with GFI1-related conditions. ClinVar contains an entry for this variant (Variation ID: 2966194). Invitae Evidence Modeling of protein sequence and biophysical properties (such as structural, functional, and spatial information, amino acid conservation, physicochemical variation, residue mobility, and thermodynamic stability) indicates that this missense variant is not expected to disrupt GFI1 protein function with a negative predictive value of 80%. In summary, the available evidence is currently insufficient to determine the role of this variant in disease. Therefore, it has been classified as a Variant of Uncertain Significance.

Ambry Genetics
Classification: Uncertain significance. Last evaluated: 2024-12-19. Review status: criteria provided, single submitter. Criteria: Ambry Variant Classification Scheme 2023. Collection method: clinical testing. Allele origin: germline.
Comment: The p.S56C variant (also known as c.167C>G), located in coding exon 2 of the GFI1 gene, results from a C to G substitution at nucleotide position 167. The serine at codon 56 is replaced by cysteine, an amino acid with dissimilar properties. This amino acid position is conserved. In addition, this alteration is predicted to be tolerated by in silico analysis. Based on the available evidence, the clinical significance of this variant remains unclear.